The following is an entry in ClinVar:

NM_000046.5(ARSB):c.1142+233C>T

Gene: ARSB (arylsulfatase B; minus strand). Cytogenetic location: 5q14.1.
Variant type: single nucleotide variant.
Coding change: c.1142+233C>T on transcript NM_000046.5 (MANE Select); 233 bases into the intron after coding-DNA position 1142, C replaced by T.
Molecular consequence: intron variant.
Genome position (GRCh38, 1-based): chr5:78,885,351, G>A on the plus strand (C>T on the coding strand, the complement: ARSB is on the minus strand). VCF-style: chr5-78885351-G-A. GRCh37 (hg19) VCF-style: chr5-78181174-G-A.
Other names: c.1142+233C>T (NM_198709.3).
Identifiers: ClinVar variation 680476 (VCV000680476.2), dbSNP rs10039384, ClinGen allele CA11934227.

ClinVar aggregate classification (germline): Benign. Review status: criteria provided, multiple submitters, no conflicts (2 of 4 stars). 2 submissions from 2 submitters: Benign (2). Last evaluated 2018-06-19.

Allele frequency attached by ClinVar (database versions not stated): TOPMed 0.55892; gnomAD 0.56882 and 0.57718; 1000 Genomes Project 30x 0.60322; 1000 Genomes Project 0.61062; gnomAD exomes 0.65281.
gnomAD v4.1: 377,469 of 596,950 alleles (63%); highest among the groups gnomAD compares: East Asian, 95%; 124,007 homozygotes.

Submissions (2):

GeneDx
Classification: Benign. Last evaluated: 2018-06-19. Review status: criteria provided, single submitter. Criteria: GeneDx Variant Classification (06012015). Collection method: clinical testing. Allele origin: germline. Affected: yes.
Comment: This variant is considered likely benign or benign based on one or more of the following criteria: it is a conservative change, it occurs at a poorly conserved position in the protein, it is predicted to be benign by multiple in silico algorithms, and/or has population frequency not consistent with disease.

Breakthrough Genomics
Classification: Benign. Review status: criteria provided, single submitter. Criteria: ACMG Guidelines, 2015. Collection method: not provided. Allele origin: germline. Inheritance: Autosomal recessive inheritance. Affected: yes.